The following is an entry in ClinVar:

ClinVar aggregate classification (germline): Uncertain significance. Review status: criteria provided, multiple submitters, no conflicts (2 of 4 stars). 2 submissions from 2 submitters: Uncertain significance (2). Last evaluated 2024-12-05.

Conditions:
RASopathy. Also called: rasopathies; Noonan spectrum disorder. Identifiers: Orphanet 536391, MedGen C5555857, MONDO:0021060.
Cardiovascular phenotype. Identifiers: MedGen CN230736.

Allele frequency attached by ClinVar (database versions not stated): gnomAD exomes below 0.00001.

Submissions (2):

Ambry Genetics
Classification: Uncertain significance for Cardiovascular phenotype. Last evaluated: 2024-12-05. Review status: criteria provided, single submitter. Criteria: Ambry Variant Classification Scheme 2023. Collection method: clinical testing. Allele origin: germline.
Comment: The p.D436H variant (also known as c.1306G>C), located in coding exon 10 of the SOS1 gene, results from a G to C substitution at nucleotide position 1306. The aspartic acid at codon 436 is replaced by histidine, an amino acid with similar properties. This amino acid position is conserved. In addition, this alteration is predicted to be deleterious by in silico analysis. Based on the available evidence, the clinical significance of this variant remains unclear.

Labcorp Genetics (formerly Invitae), Labcorp
Classification: Uncertain significance for RASopathy. Last evaluated: 2022-07-22. Review status: criteria provided, single submitter. Criteria: Invitae Variant Classification Sherloc (09022015). Collection method: clinical testing. Allele origin: germline.
Comment: In summary, the available evidence is currently insufficient to determine the role of this variant in disease. Therefore, it has been classified as a Variant of Uncertain Significance. Advanced modeling of protein sequence and biophysical properties (such as structural, functional, and spatial information, amino acid conservation, physicochemical variation, residue mobility, and thermodynamic stability) performed at Invitae indicates that this missense variant is expected to disrupt SOS1 protein function. This variant has not been reported in the literature in individuals affected with SOS1-related conditions. This variant is present in population databases (no rsID available, gnomAD 0.0009%). This sequence change replaces aspartic acid, which is acidic and polar, with histidine, which is basic and polar, at codon 436 of the SOS1 protein (p.Asp436His).

NM_005633.4(SOS1):c.1306G>C (p.Asp436His)

Gene: SOS1 (SOS Ras/Rac guanine nucleotide exchange factor 1; minus strand). Cytogenetic location: 2p22.1.
Variant type: single nucleotide variant.
Coding change: c.1306G>C on transcript NM_005633.4 (MANE Select); coding-DNA position 1306, G replaced by C.
Protein change: p.Asp436His; replaces aspartic acid 436 with histidine.
Molecular consequence: missense variant.
Genome position (GRCh38, 1-based): chr2:39,023,122, C>G on the plus strand (G>C on the coding strand, the complement: SOS1 is on the minus strand). VCF-style: chr2-39023122-C-G. GRCh37 (hg19) VCF-style: chr2-39250263-C-G.
Other names: c.1285G>C, p.Asp429His (NM_001382394.1); c.1306G>C, p.Asp436His (NM_001382395.1); short protein forms D429H, D436H.
Identifiers: ClinVar variation 1713329 (VCV001713329.6), dbSNP rs1402768479, ClinGen allele CA346366472.